The following is an entry in ClinVar:

ClinVar aggregate classification (germline): Uncertain significance (1 of 4 stars; one submission).

Submission:

Labcorp Genetics (formerly Invitae), Labcorp
Classification: Uncertain significance. Last evaluated: 2022-10-17. Review status: criteria provided, single submitter. Criteria: Invitae Variant Classification Sherloc (09022015). Collection method: clinical testing. Allele origin: germline.
Comment: This sequence change replaces alanine, which is neutral and non-polar, with glutamic acid, which is acidic and polar, at codon 1629 of the CAD protein (p.Ala1629Glu). This variant is not present in population databases (gnomAD no frequency). This variant has not been reported in the literature in individuals affected with CAD-related conditions. ClinVar contains an entry for this variant (Variation ID: 1508175). Algorithms developed to predict the effect of missense changes on protein structure and function (SIFT, PolyPhen-2, Align-GVGD) all suggest that this variant is likely to be tolerated. In summary, the available evidence is currently insufficient to determine the role of this variant in disease. Therefore, it has been classified as a Variant of Uncertain Significance.

NM_004341.5(CAD):c.4886C>A (p.Ala1629Glu)

Gene: CAD (carbamoyl-phosphate synthetase 2, aspartate transcarbamylase, and dihydroorotase; plus strand). Cytogenetic location: 2p23.3.
Variant type: single nucleotide variant.
Coding change: c.4886C>A on transcript NM_004341.5 (MANE Select); coding-DNA position 4886, C replaced by A.
Protein change: p.Ala1629Glu; replaces alanine 1629 with glutamic acid.
Molecular consequence: missense variant.
Genome position (GRCh38, 1-based): chr2:27,238,456, C>A. VCF-style: chr2-27238456-C-A. GRCh37 (hg19) VCF-style: chr2-27461324-C-A.
Other names: c.4697C>A, p.Ala1566Glu (NM_001306079.2); short protein forms A1629E, A1566E.
Identifiers: ClinVar variation 1508175 (VCV001508175.5), dbSNP rs1676131431, ClinGen allele CA346221670.